The following is an entry in ClinVar:

NM_015015.3(KDM4B):c.2373C>T (p.His791=)

Gene: KDM4B (lysine demethylase 4B; plus strand). Cytogenetic location: 19p13.3.
Variant type: single nucleotide variant.
Coding change: c.2373C>T on transcript NM_015015.3 (MANE Select); coding-DNA position 2373, C replaced by T.
Protein change: p.His791=; no amino-acid change (histidine 791 retained).
Molecular consequence: synonymous variant.
Genome position (GRCh38, 1-based): chr19:5,137,326, C>T. VCF-style: chr19-5137326-C-T. GRCh37 (hg19) VCF-style: chr19-5137337-C-T.
Other names: c.2475C>T, p.His825= (NM_001411148.1).
Identifiers: ClinVar variation 4872940 (VCV004872940.2).
Genomic context (GRCh38, chr19:5,137,326, plus strand): 5'-CTATGGCATCCGTCCCGAGCTGGTCAATGAAGGCTGGACGTGTTCCCGGTGCGCGGCCCA[C>T]GCCTGGACTGCGGTAACTCGCTCCCCGCAGCGGGGGTGGTGCTCTGAGAGGCCTGGGCCC-3'
Protein context (NP_055830.1, residues 781-801): EGWTCSRCAA[His791=]AWTAECCLCN

ClinVar aggregate classification (germline): Likely benign (1 of 4 stars; one submission).

gnomAD v4.1: 425 of 1,570,958 alleles (0.027%); highest among the groups gnomAD compares: African/African-American, 0.46%; 1 homozygote.

Submission:

CeGaT Center for Human Genetics Tuebingen
Classification: Likely benign. Last evaluated: 2026-05-01. Review status: criteria provided, single submitter. Criteria: CeGaT Center For Human Genetics Tuebingen Variant Classification Criteria Version 2. Collection method: clinical testing. Allele origin: germline. Affected: yes. Observed: 1 variant allele.
Comment: KDM4B: BP4, BP7, BS1